The following is an entry in ClinVar:

NM_001394062.1(MACF1):c.15817-8544G>T

Genes: KIAA0754 (KIAA0754; plus strand), MACF1 (microtubule actin crosslinking factor 1; plus strand). Cytogenetic location: 1p34.3.
Variant type: single nucleotide variant.
Coding change: c.15817-8544G>T on transcript NM_001394062.1 (MANE Select); 8544 bases into the intron before coding-DNA position 15817, G replaced by T.
Molecular consequence: intron variant. On other transcripts: missense variant (1).
Genome position (GRCh38, 1-based): chr1:39,413,830, G>T. VCF-style: chr1-39413830-G-T. GRCh37 (hg19) VCF-style: chr1-39879502-G-T.
Other names: c.3565G>T, p.Val1189Leu (NM_001397473.1); c.9631-8544G>T (NM_012090.5); short protein forms V1189L.
Identifiers: ClinVar variation 4885208 (VCV004885208.2).
Genomic context (GRCh38, chr1:39,413,830, plus strand): 5'-TCTGCCTCCCCAGCTGCTGCAGTGCCCACCCCAGCAGAATCTGCCTCCTTTGCAGCTGTG[G>T]TGGCCACCCTGGAGGAACCCACTTCCCCGGCAGCTTCAGTGCCCACCCCTGCAGCTATGG-3'

ClinVar aggregate classification (germline): Uncertain significance (1 of 4 stars; one submission).

gnomAD v4.1: 2 of 1,611,320 alleles (0.00012%); highest among the groups gnomAD compares: Admixed American, 0.0017%; no homozygotes.

Submission:

Dasa
Classification: Uncertain significance. Last evaluated: 2025-12-03. Review status: criteria provided, single submitter. Criteria: DASA Assertion Criteria. Collection method: clinical testing. Allele origin: germline.
Comment: NM_001397473.1(MACF1):c.3565G>T (p.Val1189Leu) is a missense variant that results in the substitution of valine with leucine. This variant is rare in population databases. Computational prediction algorithms are consistent with a benign effect. The currently available literature and clinical evidence are not sufficient to establish a definitive association between this variant and the reported condition. Therefore, this variant is classified as a variant of uncertain significance.